The following is an entry in ClinVar:

ClinVar aggregate classification (germline): Uncertain significance. Review status: criteria provided, multiple submitters, no conflicts (2 of 4 stars). 2 submissions from 2 submitters: Uncertain significance (2). Last evaluated 2024-03-22.

Conditions:
Hemorrhage, intracerebral, susceptibility to (ICH). Also called: Stroke, hemorrhagic, susceptibility to. Identifiers: MedGen C3281105, MONDO:0100533, OMIM 614519.
Renal tubular dysgenesis of genetic origin. Also called: PRIMITIVE RENAL TUBULE SYNDROME. Identifiers: Orphanet 97369, MedGen C5681536, MONDO:0009970, OMIM 267430.
Microvascular complications of diabetes, susceptibility to, 3. Identifiers: MedGen C2675470, MONDO:0012963, OMIM 612624.

Allele frequency attached by ClinVar (database versions not stated): 1000 Genomes Project 30x 0.00016; 1000 Genomes Project 0.00020; ESP Exome Variant Server 0.00023.
gnomAD v4.1: 71 of 1,614,096 alleles (0.0044%); highest among the groups gnomAD compares: African/African-American, 0.043%; no homozygotes.

Submissions (2):

Fulgent Genetics
Classification: Uncertain significance for Renal tubular dysgenesis of genetic origin; Microvascular complications of diabetes, susceptibility to, 3; Hemorrhage, intracerebral, susceptibility to. Last evaluated: 2024-03-22. Review status: criteria provided, single submitter. Criteria: ACMG Guidelines, 2015. Collection method: clinical testing. Allele origin: germline.

Labcorp Genetics (formerly Invitae), Labcorp
Classification: Uncertain significance. Last evaluated: 2022-02-20. Review status: criteria provided, single submitter. Criteria: Invitae Variant Classification Sherloc (09022015). Collection method: clinical testing. Allele origin: germline.
Comment: In summary, the available evidence is currently insufficient to determine the role of this variant in disease. Therefore, it has been classified as a Variant of Uncertain Significance. Algorithms developed to predict the effect of missense changes on protein structure and function are either unavailable or do not agree on the potential impact of this missense change (SIFT: "Deleterious"; PolyPhen-2: "Benign"; Align-GVGD: "Class C0"). This variant has not been reported in the literature in individuals affected with ACE-related conditions. This variant is present in population databases (rs202178737, gnomAD 0.03%). This sequence change replaces proline, which is neutral and non-polar, with alanine, which is neutral and non-polar, at codon 485 of the ACE protein (p.Pro485Ala).

NM_000789.4(ACE):c.1453C>G (p.Pro485Ala)

Gene: ACE (angiotensin I converting enzyme; plus strand). Cytogenetic location: 17q23.3.
Variant type: single nucleotide variant.
Coding change: c.1453C>G on transcript NM_000789.4 (MANE Select); coding-DNA position 1453, C replaced by G.
Protein change: p.Pro485Ala; replaces proline 485 with alanine.
Molecular consequence: missense variant.
Genome position (GRCh38, 1-based): chr17:63,483,139, C>G. VCF-style: chr17-63483139-C-G. GRCh37 (hg19) VCF-style: chr17-61560500-C-G.
Other names: c.886C>G, p.Pro296Ala (NM_001382700.1); c.601C>G, p.Pro201Ala (NM_001382701.1); short protein forms P201A, P296A, P485A.
Identifiers: ClinVar variation 2084110 (VCV002084110.3), dbSNP rs202178737, ClinGen allele CA8699538.